The following is an entry in ClinVar:

NM_005120.3(MED12):c.6490+6C>T

Gene: MED12 (mediator complex subunit 12; plus strand). Cytogenetic location: Xq13.1.
Variant type: single nucleotide variant.
Coding change: c.6490+6C>T on transcript NM_005120.3 (MANE Select); 6 bases into the intron after coding-DNA position 6490, C replaced by T.
Molecular consequence: intron variant.
Genome position (GRCh38, 1-based): chrX:71,141,970, C>T. VCF-style: chrX-71141970-C-T. GRCh37 (hg19) VCF-style: chrX-70361820-C-T.
Identifiers: ClinVar variation 1501534 (VCV001501534.6), dbSNP rs2147845031, ClinGen allele CA2573159608.

ClinVar aggregate classification (germline): Uncertain significance (1 of 4 stars; one submission).

Conditions:
FG syndrome (FGS). Identifiers: MedGen C0220769, MONDO:0002010.

Submission:

Labcorp Genetics (formerly Invitae), Labcorp
Classification: Uncertain significance for FG syndrome. Last evaluated: 2021-04-27. Review status: criteria provided, single submitter. Criteria: Invitae Variant Classification Sherloc (09022015). Collection method: clinical testing. Allele origin: germline.
Comment: In summary, the available evidence is currently insufficient to determine the role of this variant in disease. Therefore, it has been classified as a Variant of Uncertain Significance. Nucleotide substitutions within the consensus splice site are a relatively common cause of aberrant splicing (PMID: 17576681, 9536098). Algorithms developed to predict the effect of sequence changes on RNA splicing suggest that this variant is not likely to affect RNA splicing, but this prediction has not been confirmed by published transcriptional studies. This variant has not been reported in the literature in individuals with MED12-related conditions. This variant is not present in population databases (ExAC no frequency). This sequence change falls in intron 44 of the MED12 gene. It does not directly change the encoded amino acid sequence of the MED12 protein. It affects a nucleotide within the consensus splice site of the intron.

Literature cited by the submitters: PubMed 17576681; PubMed 9536098.